The following is an entry in ClinVar:

NM_005245.4(FAT1):c.6147G>A (p.Val2049=)

Gene: FAT1 (FAT atypical cadherin 1; minus strand). Cytogenetic location: 4q35.2.
Variant type: single nucleotide variant.
Coding change: c.6147G>A on transcript NM_005245.4 (MANE Select); coding-DNA position 6147, G replaced by A.
Protein change: p.Val2049=; no amino-acid change (valine 2049 retained).
Molecular consequence: synonymous variant.
Genome position (GRCh38, 1-based): chr4:186,620,439, C>T on the plus strand (G>A on the coding strand, the complement: FAT1 is on the minus strand). VCF-style: chr4-186620439-C-T. GRCh37 (hg19) VCF-style: chr4-187541593-C-T.
Identifiers: ClinVar variation 3029857 (VCV003029857.2), dbSNP rs745843872, ClinGen allele CA3166301.

ClinVar aggregate classification (germline): Likely benign (0 of 4 stars; one submission).

Conditions:
FAT1-related disorder. Also called: FAT1-related condition.

Allele frequency attached by ClinVar (database versions not stated): gnomAD 0.00001; gnomAD exomes 0.00001; TOPMed 0.00002; ExAC 0.00003.
gnomAD v4.1: 12 of 1,613,902 alleles (0.00074%); highest among the groups gnomAD compares: Admixed American, 0.018%; no homozygotes.

Submission:

PreventionGenetics, part of Exact Sciences
Classification: Likely benign for FAT1-related condition. Last evaluated: 2023-08-06. Review status: no assertion criteria provided. Collection method: clinical testing. Allele origin: germline.
Comment: This variant is classified as likely benign based on ACMG/AMP sequence variant interpretation guidelines (Richards et al. 2015 PMID: 25741868, with internal and published modifications).